The following is an entry in ClinVar:

NM_152490.5(B3GALNT2):c.1406G>C (p.Gly469Ala)

Genes: B3GALNT2 (beta-1,3-N-acetylgalactosaminyltransferase 2; minus strand), TBCE (tubulin folding cofactor E; plus strand). Cytogenetic location: 1q42.3.
Variant type: single nucleotide variant.
Coding change: c.1406G>C on transcript NM_152490.5 (MANE Select); coding-DNA position 1406, G replaced by C.
Protein change: p.Gly469Ala; replaces glycine 469 with alanine.
Molecular consequence: missense variant. On other transcripts: 3 prime UTR variant (4).
Genome position (GRCh38, 1-based): chr1:235,450,303, C>G on the plus strand (G>C on the coding strand, the complement: B3GALNT2 is on the minus strand). VCF-style: chr1-235450303-C-G. GRCh37 (hg19) VCF-style: chr1-235613618-C-G.
Other names: c.*1541C>G (NM_001079515.3, NM_001287801.2, NM_001287802.2 and 1 more transcripts); short protein forms G469A.
Identifiers: ClinVar variation 426576 (VCV000426576.2), dbSNP rs747389723, ClinGen allele CA1464592.

ClinVar aggregate classification (germline): Uncertain significance (1 of 4 stars; one submission).

Allele frequency attached by ClinVar (database versions not stated): ExAC 0.00002; TOPMed 0.00002.
gnomAD v4.1: 2 of 1,613,574 alleles (0.00012%); highest among the groups gnomAD compares: Admixed American, 0.0017%; no homozygotes.

Submission:

GeneDx
Classification: Uncertain significance. Last evaluated: 2017-04-12. Review status: criteria provided, single submitter. Criteria: GeneDx Variant Classification (06012015). Collection method: clinical testing. Allele origin: germline. Affected: yes.
Comment: A variant of uncertain significance has been identified in the B3GALNT2 gene. The G469A variant has not been published as a pathogenic variant, nor has it been reported as a benign variant to our knowledge. The G469A variant is not observed at a significant frequency in large population cohorts (Lek et al., 2016; 1000 Genomes Consortium et al., 2015; Exome Variant Server). The G469A variant is a conservative amino acid substitution, which is not likely to impact secondary protein structure as these residues share similar properties. However, this substitution occurs at a position that is conserved in mammals. In silico analysis is inconsistent in its predictions as to whether or not the variant is damaging to the protein structure/function. Therefore, based on the currently available information, it is unclear whether this variant is a pathogenic variant or a rare benign variant.